The following is an entry in ClinVar:

ClinVar aggregate classification (germline): Benign (1 of 4 stars; one submission).

Conditions:
Familial hyperaldosteronism type III. Also called: FH III; Familial hyperaldosteronism type 3. Identifiers: Orphanet 251274, MedGen C3838758, MONDO:0013359, OMIM 613677.

Allele frequency attached by ClinVar (database versions not stated): 1000 Genomes Project 30x 0.00500; 1000 Genomes Project 0.00379; TOPMed 0.00403; gnomAD 0.00344 and 0.00370.

Submission:

Illumina Laboratory Services, Illumina
Classification: Benign for Familial hyperaldosteronism type III. Last evaluated: 2018-01-12. Review status: criteria provided, single submitter. Criteria: ICSL Variant Classification Criteria 13 December 2019. Collection method: clinical testing. Allele origin: germline.
Comment: This variant was observed in the ICSL laboratory as part of a predisposition screen in an ostensibly healthy population. It had not been previously curated by ICSL or reported in the Human Gene Mutation Database (HGMD: prior to June 1st, 2018), and was therefore a candidate for classification through an automated scoring system. Utilizing variant allele frequency, disease prevalence and penetrance estimates, and inheritance mode, an automated score was calculated to assess if this variant is too frequent to cause the disease. Based on the score and internal cut-off values, a variant classified as benign is not then subjected to further curation. The score for this variant resulted in a classification of benign for this disease.

NM_000890.5(KCNJ5):c.*547G>A

Gene: KCNJ5 (potassium inwardly rectifying channel subfamily J member 5; plus strand). Cytogenetic location: 11q24.3.
Variant type: single nucleotide variant.
Coding change: c.*547G>A on transcript NM_000890.5 (MANE Select); 547 bases downstream of the stop codon, G replaced by A.
Molecular consequence: 3 prime UTR variant.
Genome position (GRCh38, 1-based): chr11:128,917,278, G>A. VCF-style: chr11-128917278-G-A. GRCh37 (hg19) VCF-style: chr11-128787173-G-A.
Other names: c.*547G>A (LRG_333t1, NM_001354169.2).
Identifiers: ClinVar variation 303644 (VCV000303644.6), dbSNP rs114896724, ClinGen allele CA10630417.